The following is an entry in ClinVar:

ClinVar aggregate classification (germline): Benign. Review status: criteria provided, multiple submitters, no conflicts (2 of 4 stars). 6 submissions from 6 submitters: Benign (5). 1 of the submissions does not count toward it. Last evaluated 2024-07-01.

Conditions:
TRIO-related disorder. Also called: TRIO-related disorders; TRIO-related condition.

Allele frequency attached by ClinVar (database versions not stated): 1000 Genomes Project 0.00339; 1000 Genomes Project 30x 0.00344; ExAC 0.00787; gnomAD exomes 0.00811 and 0.01294; gnomAD 0.00880 and 0.00913; TOPMed 0.00892; ESP Exome Variant Server 0.01000.
gnomAD v4.1: 19,972 of 1,613,024 alleles (1.2%); highest among the groups gnomAD compares: Non-Finnish European, 1.5%; 157 homozygotes.

Submissions (6):

CeGaT Center for Human Genetics Tuebingen
Classification: Benign. Last evaluated: 2024-07-01. Review status: criteria provided, single submitter. Criteria: CeGaT Center For Human Genetics Tuebingen Variant Classification Criteria Version 2. Collection method: clinical testing. Allele origin: germline. Affected: yes. Observed: 28 variant alleles.
Comment: TRIO: BP4, BP7, BS1, BS2

Labcorp Genetics (formerly Invitae), Labcorp
Classification: Benign. Last evaluated: 2019-12-31. Review status: criteria provided, single submitter. Criteria: Invitae Variant Classification Sherloc (09022015). Collection method: clinical testing. Allele origin: germline.

Genetic Services Laboratory, University of Chicago
Classification: Benign. Last evaluated: 2019-11-14. Review status: criteria provided, single submitter. Criteria: ACMG Guidelines, 2015. Collection method: clinical testing. Allele origin: germline. Affected: no.

GeneDx
Classification: Benign. Last evaluated: 2019-11-12. Review status: criteria provided, single submitter. Criteria: GeneDx Variant Classification Process June 2021. Collection method: clinical testing. Allele origin: germline. Affected: yes.

Breakthrough Genomics
Classification: Benign. Review status: criteria provided, single submitter. Criteria: ACMG Guidelines, 2015. Collection method: not provided. Allele origin: germline. Inheritance: Autosomal dominant inheritance. Affected: yes.

PreventionGenetics, part of Exact Sciences
Classification: Benign for TRIO-related condition. Last evaluated: 2019-09-05. Review status: no assertion criteria provided. Collection method: clinical testing. Allele origin: germline. Not counted in ClinVar's aggregate classification.
Comment: This variant is classified as benign based on ACMG/AMP sequence variant interpretation guidelines (Richards et al. 2015 PMID: 25741868, with internal and published modifications).

NM_007118.4(TRIO):c.171C>T (p.Asn57=)

Gene: TRIO (trio Rho guanine nucleotide exchange factor; plus strand). Cytogenetic location: 5p15.2.
Variant type: single nucleotide variant.
Coding change: c.171C>T on transcript NM_007118.4 (MANE Select); coding-DNA position 171, C replaced by T.
Protein change: p.Asn57=; no amino-acid change (asparagine 57 retained).
Molecular consequence: synonymous variant. On other transcripts: non-coding transcript variant (1).
Genome position (GRCh38, 1-based): chr5:14,270,838, C>T. VCF-style: chr5-14270838-C-T. GRCh37 (hg19) VCF-style: chr5-14270947-C-T.
Identifiers: ClinVar variation 770908 (VCV000770908.43), dbSNP rs55664610, ClinGen allele CA3205347.
Genomic context (GRCh38, chr5:14,270,838, plus strand): 5'-GTCACTCTGGCAACCCAGTAATTTTATTTTCTCCTTCTGTATTTCAGGGTTTCGAAAAAA[C>T]GATGAAATGAAAGCTATGGATGTTTTACCAATTTTGAAGGAAAAAGTTGCATACCTTTCA-3'
Protein context (NP_009049.2, residues 47-67): AAFFRSGFRK[Asn57=]DEMKAMDVLP